The following is an entry in ClinVar:

NM_181675.4(PPP2R2B):c.446G>C (p.Arg149Pro)

Gene: PPP2R2B (protein phosphatase 2 regulatory subunit Bbeta; minus strand). Cytogenetic location: 5q32.
Variant type: single nucleotide variant.
Coding change: c.446G>C on transcript NM_181675.4 (MANE Select); coding-DNA position 446, G replaced by C.
Protein change: p.Arg149Pro; replaces arginine 149 with proline.
Molecular consequence: missense variant. On other transcripts: non-coding transcript variant (2).
Genome position (GRCh38, 1-based): chr5:146,691,129, C>G on the plus strand (G>C on the coding strand, the complement: PPP2R2B is on the minus strand). VCF-style: chr5-146691129-C-G. GRCh37 (hg19) VCF-style: chr5-146070692-C-G.
Other names: c.446G>C, p.Arg149Pro (NM_001127381.1, NM_004576.2); c.464G>C, p.Arg155Pro (NM_001271899.1); c.620G>C, p.Arg207Pro (NM_001271900.2); c.413G>C, p.Arg138Pro (NM_001271948.2, NM_181678.2); c.644G>C, p.Arg215Pro (NM_181674.3); c.455G>C, p.Arg152Pro (NM_181676.3); c.386G>C, p.Arg129Pro (NM_181677.2); short protein forms R129P, R138P, R149P, R152P, R155P, R207P, R215P.
Identifiers: ClinVar variation 2503290 (VCV002503290.1), dbSNP rs756415160, ClinGen allele CA361881291.

ClinVar aggregate classification (germline): Uncertain significance (1 of 4 stars; one submission).

Submission:

GeneDx
Classification: Uncertain significance. Last evaluated: 2022-11-23. Review status: criteria provided, single submitter. Criteria: GeneDx Variant Classification Process June 2021. Collection method: clinical testing. Allele origin: germline. Affected: yes.
Comment: De novo variant with confirmed parentage in a patient with intellectual disability, intractable seizures, and autistic features (Hamdan et al., 2014); Not observed at significant frequency in large population cohorts (gnomAD); In silico analysis supports that this missense variant has a deleterious effect on protein structure/function; This variant is associated with the following publications: (PMID: 25356899)